The following is an entry in ClinVar:

NM_004606.5(TAF1):c.3136A>G (p.Ser1046Gly)

Gene: TAF1 (TATA-box binding protein associated factor 1; plus strand). Cytogenetic location: Xq13.1.
Variant type: single nucleotide variant.
Coding change: c.3136A>G on transcript NM_004606.5 (MANE Select); coding-DNA position 3136, A replaced by G.
Protein change: p.Ser1046Gly; replaces serine 1046 with glycine.
Molecular consequence: missense variant. On other transcripts: non-coding transcript variant (9).
Genome position (GRCh38, 1-based): chrX:71,393,385, A>G. VCF-style: chrX-71393385-A-G. GRCh37 (hg19) VCF-style: chrX-70613235-A-G.
Other names: c.3136A>G, p.Ser1046Gly (NM_001286074.2); c.3073A>G, p.Ser1025Gly (NM_138923.4); short protein forms S1025G, S1046G.
Identifiers: ClinVar variation 1313907 (VCV001313907.4), dbSNP rs2148378735, ClinGen allele CA413526411.
Genomic context (GRCh38, chrX:71,393,385, plus strand): 5'-GTGATTGATGTGGTGCGCACAATGTCAACAGAACAGGCTCGTTCTGGAGAGGGGCCCATG[A>G]GTAAATTTGCCCGTGGATCAAGGTTTTCTGTGGCTGAGCATCAAGAGCGTTACAAAGAGG-3'
Protein context (NP_004597.3, residues 1036-1056): EQARSGEGPM[Ser1046Gly]KFARGSRFSV

ClinVar aggregate classification (germline): Uncertain significance (1 of 4 stars; one submission).

Submission:

GeneDx
Classification: Uncertain significance. Last evaluated: 2024-05-28. Review status: criteria provided, single submitter. Criteria: GeneDx Variant Classification Process June 2021. Collection method: clinical testing. Allele origin: germline. Affected: yes.
Comment: Not observed at significant frequency in large population cohorts (gnomAD); In silico analysis supports that this missense variant does not alter protein structure/function; Has not been previously published as pathogenic or benign to our knowledge.